The following is an entry in ClinVar:

NM_006231.4(POLE):c.5368A>G (p.Asn1790Asp)

Gene: POLE (DNA polymerase epsilon, catalytic subunit; minus strand). Cytogenetic location: 12q24.33.
Variant type: single nucleotide variant.
Coding change: c.5368A>G on transcript NM_006231.4 (MANE Select); coding-DNA position 5368, A replaced by G.
Protein change: p.Asn1790Asp; replaces asparagine 1790 with aspartic acid.
Molecular consequence: missense variant.
Genome position (GRCh38, 1-based): chr12:132,641,657, T>C on the plus strand (A>G on the coding strand, the complement: POLE is on the minus strand). VCF-style: chr12-132641657-T-C. GRCh37 (hg19) VCF-style: chr12-133218243-T-C.
Other names: short protein forms N1790D.
Identifiers: ClinVar variation 1523661 (VCV001523661.9), dbSNP rs1324601801, ClinGen allele CA387375694.

ClinVar aggregate classification (germline): Uncertain significance. Review status: criteria provided, multiple submitters, no conflicts (2 of 4 stars). 2 submissions from 2 submitters: Uncertain significance (2). Last evaluated 2025-04-05.

Conditions:
Hereditary cancer-predisposing syndrome. Also called: Hereditary neoplastic syndrome; Hereditary Cancer Syndrome; Tumor predisposition; Neoplastic Syndromes, Hereditary. Identifiers: Orphanet 140162, MedGen C0027672, MeSH D009386, MONDO:0015356.

Allele frequency attached by ClinVar (database versions not stated): gnomAD exomes below 0.00001.
gnomAD v4.1: 2 of 1,613,940 alleles (0.00012%); highest among the groups gnomAD compares: South Asian, 0.0022%; no homozygotes.

Submissions (2):

Ambry Genetics
Classification: Uncertain significance for Hereditary cancer-predisposing syndrome. Last evaluated: 2025-04-05. Review status: criteria provided, single submitter. Criteria: Ambry Variant Classification Scheme 2023. Collection method: clinical testing. Allele origin: germline.
Comment: The p.N1790D variant (also known as c.5368A>G), located in coding exon 39 of the POLE gene, results from an A to G substitution at nucleotide position 5368. The asparagine at codon 1790 is replaced by aspartic acid, an amino acid with highly similar properties. This amino acid position is conserved. In addition, this alteration is predicted to be tolerated by in silico analysis. Since supporting evidence is limited at this time, the clinical significance of this alteration remains unclear.

Labcorp Genetics (formerly Invitae), Labcorp
Classification: Uncertain significance. Last evaluated: 2025-01-19. Review status: criteria provided, single submitter. Criteria: Invitae Variant Classification Sherloc (09022015). Collection method: clinical testing. Allele origin: germline.
Comment: This sequence change replaces asparagine, which is neutral and polar, with aspartic acid, which is acidic and polar, at codon 1790 of the POLE protein (p.Asn1790Asp). This variant is not present in population databases (gnomAD no frequency). This variant has not been reported in the literature in individuals affected with POLE-related conditions. ClinVar contains an entry for this variant (Variation ID: 1523661). Invitae Evidence Modeling of protein sequence and biophysical properties (such as structural, functional, and spatial information, amino acid conservation, physicochemical variation, residue mobility, and thermodynamic stability) indicates that this missense variant is not expected to disrupt POLE protein function with a negative predictive value of 80%. In summary, the available evidence is currently insufficient to determine the role of this variant in disease. Therefore, it has been classified as a Variant of Uncertain Significance.